The following is an entry in ClinVar:

NM_006420.3(ARFGEF2):c.4715C>T (p.Thr1572Met)

Gene: ARFGEF2 (ARF guanine nucleotide exchange factor 2; plus strand). Cytogenetic location: 20q13.13.
Variant type: single nucleotide variant.
Coding change: c.4715C>T on transcript NM_006420.3 (MANE Select); coding-DNA position 4715, C replaced by T.
Protein change: p.Thr1572Met; replaces threonine 1572 with methionine.
Molecular consequence: missense variant.
Genome position (GRCh38, 1-based): chr20:49,023,141, C>T. VCF-style: chr20-49023141-C-T. GRCh37 (hg19) VCF-style: chr20-47639678-C-T.
Other names: short protein forms T1572M.
Identifiers: ClinVar variation 1336978 (VCV001336978.10), dbSNP rs766756267, ClinGen allele CA9899295.

ClinVar aggregate classification (germline): Uncertain significance. Review status: criteria provided, multiple submitters, no conflicts (2 of 4 stars). 3 submissions from 3 submitters: Uncertain significance (3). Last evaluated 2023-04-06.

Conditions:
Inborn genetic diseases. Identifiers: MedGen C0950123, MeSH D030342.

Allele frequency attached by ClinVar (database versions not stated): TOPMed below 0.00001; ExAC 0.00002; gnomAD exomes 0.00002 and 0.00003.
gnomAD v4.1: 40 of 1,614,134 alleles (0.0025%); highest among the groups gnomAD compares: Non-Finnish European, 0.0029%; no homozygotes.

Submissions (3):

Ambry Genetics
Classification: Uncertain significance for Inborn genetic diseases. Last evaluated: 2023-04-06. Review status: criteria provided, single submitter. Criteria: Ambry Variant Classification Scheme 2023. Collection method: clinical testing. Allele origin: germline.

Labcorp Genetics (formerly Invitae), Labcorp
Classification: Uncertain significance. Last evaluated: 2022-06-07. Review status: criteria provided, single submitter. Criteria: Invitae Variant Classification Sherloc (09022015). Collection method: clinical testing. Allele origin: germline.
Comment: This sequence change replaces threonine, which is neutral and polar, with methionine, which is neutral and non-polar, at codon 1572 of the ARFGEF2 protein (p.Thr1572Met). This variant is present in population databases (rs766756267, gnomAD 0.006%). This variant has not been reported in the literature in individuals affected with ARFGEF2-related conditions. ClinVar contains an entry for this variant (Variation ID: 1336978). Algorithms developed to predict the effect of missense changes on protein structure and function are either unavailable or do not agree on the potential impact of this missense change (SIFT: "Deleterious"; PolyPhen-2: "Probably Damaging"; Align-GVGD: "Class C15"). In summary, the available evidence is currently insufficient to determine the role of this variant in disease. Therefore, it has been classified as a Variant of Uncertain Significance.

Genetic Services Laboratory, University of Chicago
Classification: Uncertain significance. Last evaluated: 2018-12-24. Review status: criteria provided, single submitter. Criteria: ACMG Guidelines, 2015. Collection method: clinical testing. Allele origin: germline. Affected: no.